The following is an entry in ClinVar:

NM_006392.4(NOP56):c.1377C>T (p.Leu459=)

Gene: NOP56 (NOP56 ribonucleoprotein; plus strand). Cytogenetic location: 20p13.
Variant type: single nucleotide variant.
Coding change: c.1377C>T on transcript NM_006392.4 (MANE Select); coding-DNA position 1377, C replaced by T.
Protein change: p.Leu459=; no amino-acid change (leucine 459 retained).
Molecular consequence: synonymous variant. On other transcripts: non-coding transcript variant (2).
Genome position (GRCh38, 1-based): chr20:2,657,176, C>T. VCF-style: chr20-2657176-C-T. GRCh37 (hg19) VCF-style: chr20-2637822-C-T.
Identifiers: ClinVar variation 5039210 (VCV005039210.1).

ClinVar aggregate classification (germline): Likely benign (1 of 4 stars; one submission).

gnomAD v4.1: 47 of 1,613,968 alleles (0.0029%); highest among the groups gnomAD compares: South Asian, 0.0066%; no homozygotes.

Submission:

CeGaT Center for Human Genetics Tuebingen
Classification: Likely benign. Last evaluated: 2026-08-01. Review status: criteria provided, single submitter. Criteria: CeGaT Center For Human Genetics Tuebingen Variant Classification Criteria Version 2. Collection method: clinical testing. Allele origin: germline. Affected: yes. Observed: 1 variant allele.
Comment: NOP56: BP4, BP7